The following is an entry in ClinVar:

NM_001953.5(TYMP):c.581C>T (p.Ala194Val)

Gene: TYMP (thymidine phosphorylase; minus strand). Cytogenetic location: 22q13.33.
Variant type: single nucleotide variant.
Coding change: c.581C>T on transcript NM_001953.5 (MANE Select); coding-DNA position 581, C replaced by T.
Protein change: p.Ala194Val; replaces alanine 194 with valine.
Molecular consequence: missense variant.
Genome position (GRCh38, 1-based): chr22:50,527,653, G>A on the plus strand (C>T on the coding strand, the complement: TYMP is on the minus strand). VCF-style: chr22-50527653-G-A. GRCh37 (hg19) VCF-style: chr22-50966082-G-A.
Other names: c.581C>T, p.Ala194Val (NM_001113755.3, NM_001113756.3, NM_001257988.1 and 1 more transcripts); short protein forms A194V.
Identifiers: ClinVar variation 2156317 (VCV002156317.1), dbSNP rs1331586512, ClinGen allele CA412201261.

ClinVar aggregate classification (germline): Uncertain significance (1 of 4 stars; one submission).

Allele frequency attached by ClinVar (database versions not stated): TOPMed below 0.00001; gnomAD 0.00001.

Submission:

Labcorp Genetics (formerly Invitae), Labcorp
Classification: Uncertain significance. Last evaluated: 2022-08-22. Review status: criteria provided, single submitter. Criteria: Invitae Variant Classification Sherloc (09022015). Collection method: clinical testing. Allele origin: germline.
Comment: This sequence change replaces alanine, which is neutral and non-polar, with valine, which is neutral and non-polar, at codon 194 of the TYMP protein (p.Ala194Val). This variant is present in population databases (no rsID available, gnomAD 0.007%). This variant has not been reported in the literature in individuals affected with TYMP-related conditions. Advanced modeling of protein sequence and biophysical properties (such as structural, functional, and spatial information, amino acid conservation, physicochemical variation, residue mobility, and thermodynamic stability) performed at Invitae indicates that this missense variant is expected to disrupt TYMP protein function. In summary, the available evidence is currently insufficient to determine the role of this variant in disease. Therefore, it has been classified as a Variant of Uncertain Significance.